The following is an entry in ClinVar:

ClinVar aggregate classification (germline): Uncertain significance (1 of 4 stars; one submission).

Submission:

Labcorp Genetics (formerly Invitae), Labcorp
Classification: Uncertain significance. Last evaluated: 2023-07-09. Review status: criteria provided, single submitter. Criteria: Invitae Variant Classification Sherloc (09022015). Collection method: clinical testing. Allele origin: germline.
Comment: This variant has not been reported in the literature in individuals affected with SNRNP200-related conditions. This variant is not present in population databases (gnomAD no frequency). This sequence change replaces lysine, which is basic and polar, with arginine, which is basic and polar, at codon 1567 of the SNRNP200 protein (p.Lys1567Arg). In summary, the available evidence is currently insufficient to determine the role of this variant in disease. Therefore, it has been classified as a Variant of Uncertain Significance. Algorithms developed to predict the effect of sequence changes on RNA splicing suggest that this variant may create or strengthen a splice site. Advanced modeling of protein sequence and biophysical properties (such as structural, functional, and spatial information, amino acid conservation, physicochemical variation, residue mobility, and thermodynamic stability) performed at Invitae indicates that this missense variant is not expected to disrupt SNRNP200 protein function.

NM_014014.5(SNRNP200):c.4700A>G (p.Lys1567Arg)

Gene: SNRNP200 (small nuclear ribonucleoprotein U5 subunit 200; minus strand). Cytogenetic location: 2q11.2.
Variant type: single nucleotide variant.
Coding change: c.4700A>G on transcript NM_014014.5 (MANE Select); coding-DNA position 4700, A replaced by G.
Protein change: p.Lys1567Arg; replaces lysine 1567 with arginine.
Molecular consequence: missense variant.
Genome position (GRCh38, 1-based): chr2:96,283,598, T>C on the plus strand (A>G on the coding strand, the complement: SNRNP200 is on the minus strand). VCF-style: chr2-96283598-T-C. GRCh37 (hg19) VCF-style: chr2-96949336-T-C.
Other names: short protein forms K1567R.
Identifiers: ClinVar variation 2739989 (VCV002739989.3), dbSNP rs2467321680, ClinGen allele CA347663984.
Genomic context (GRCh38, chr2:96,283,598, plus strand): 5'-TGCCGTTGGATGTCTGCTGCACAGGTGGTGAGGATGTCAATGGCAGTGAGGCGGGTCTGC[T>C]TGCGAGACGGCACAAAGACAATGACAGGCTTCTTGGGCGAGTGCTTGGTGATAGCATGGT-3'
Protein context (NP_054733.2, residues 1557-1577): KPVIVFVPSR[Lys1567Arg]QTRLTAIDIL